The following is an entry in ClinVar:

NM_152327.5(AK7):c.1452A>G (p.Pro484=)

Gene: AK7 (adenylate kinase 7; plus strand). Cytogenetic location: 14q32.2.
Variant type: single nucleotide variant.
Coding change: c.1452A>G on transcript NM_152327.5 (MANE Select); coding-DNA position 1452, A replaced by G.
Protein change: p.Pro484=; no amino-acid change (proline 484 retained).
Molecular consequence: synonymous variant. On other transcripts: intron variant (1).
Genome position (GRCh38, 1-based): chr14:96,471,572, A>G. VCF-style: chr14-96471572-A-G. GRCh37 (hg19) VCF-style: chr14-96937909-A-G.
Other names: c.1452A>G, p.Pro484= (NM_001350888.2, NM_001350890.2); c.1374A>G, p.Pro458= (NM_001350891.2); c.1358-6893A>G (NM_001350892.2); c.1452A>G (NM_152327.3).
Identifiers: ClinVar variation 2043947 (VCV002043947.6), dbSNP rs149831663, ClinGen allele CA7337847.

ClinVar aggregate classification (germline): Benign. Review status: criteria provided, single submitter (1 of 4 stars). 2 submissions from 2 submitters: Benign (1). 1 of the submissions does not count toward it. Last evaluated 2026-01-24.

Conditions:
AK7-related disorder. Also called: AK7-related condition.

Allele frequency attached by ClinVar (database versions not stated): 1000 Genomes Project 30x 0.00016; ESP Exome Variant Server 0.00069; gnomAD 0.00080; gnomAD exomes 0.00130; ExAC 0.00140; TOPMed 0.00082.
gnomAD v4.1: 1,996 of 1,599,172 alleles (0.12%); highest among the groups gnomAD compares: Non-Finnish European, 0.15%; 4 homozygotes.

Submissions (2):

Labcorp Genetics (formerly Invitae), Labcorp
Classification: Benign. Last evaluated: 2026-01-24. Review status: criteria provided, single submitter. Criteria: Invitae Variant Classification Sherloc (09022015). Collection method: clinical testing. Allele origin: germline.

PreventionGenetics, part of Exact Sciences
Classification: Likely benign for AK7-related condition. Last evaluated: 2019-11-05. Review status: no assertion criteria provided. Collection method: clinical testing. Allele origin: germline. Not counted in ClinVar's aggregate classification.
Comment: This variant is classified as likely benign based on ACMG/AMP sequence variant interpretation guidelines (Richards et al. 2015 PMID: 25741868, with internal and published modifications).